The following is an entry in ClinVar:

NM_001510.4(GRID2):c.2977C>T (p.Leu993=)

Gene: GRID2 (glutamate ionotropic receptor delta type subunit 2; plus strand). Cytogenetic location: 4q22.2.
Variant type: single nucleotide variant.
Coding change: c.2977C>T on transcript NM_001510.4 (MANE Select); coding-DNA position 2977, C replaced by T.
Protein change: p.Leu993=; no amino-acid change (leucine 993 retained).
Molecular consequence: synonymous variant.
Genome position (GRCh38, 1-based): chr4:93,772,451, C>T. VCF-style: chr4-93772451-C-T. GRCh37 (hg19) VCF-style: chr4-94693602-C-T.
Other names: c.2692C>T, p.Leu898= (NM_001286838.1).
Identifiers: ClinVar variation 723399 (VCV000723399.5), dbSNP rs551908174, ClinGen allele CA3012638.

ClinVar aggregate classification (germline): Likely benign. Review status: criteria provided, single submitter (1 of 4 stars). 2 submissions from 2 submitters: Likely benign (1). 1 of the submissions does not count toward it. Last evaluated 2017-12-19.

Conditions:
GRID2-related disorder. Also called: GRID2-related condition.

Allele frequency attached by ClinVar (database versions not stated): gnomAD 0.00007 and 0.00004; ExAC 0.00014; 1000 Genomes Project 0.00080; TOPMed 0.00005; gnomAD exomes 0.00014; 1000 Genomes Project 30x 0.00062.
gnomAD v4.1: 58 of 1,611,232 alleles (0.0036%); highest among the groups gnomAD compares: East Asian, 0.12%; no homozygotes.

Submissions (2):

Labcorp Genetics (formerly Invitae), Labcorp
Classification: Likely benign. Last evaluated: 2017-12-19. Review status: criteria provided, single submitter. Criteria: Invitae Variant Classification Sherloc (09022015). Collection method: clinical testing. Allele origin: germline.

PreventionGenetics, part of Exact Sciences
Classification: Likely benign for GRID2-related condition. Last evaluated: 2019-03-12. Review status: no assertion criteria provided. Collection method: clinical testing. Allele origin: germline. Not counted in ClinVar's aggregate classification.
Comment: This variant is classified as likely benign based on ACMG/AMP sequence variant interpretation guidelines (Richards et al. 2015 PMID: 25741868, with internal and published modifications).